The following is an entry in ClinVar:

NM_000548.5(TSC2):c.2545+7_2545+10delinsTCCT

Gene: TSC2 (TSC complex subunit 2; plus strand). Cytogenetic location: 16p13.3.
Variant type: Indel.
Coding change: c.2545+7_2545+10delinsTCCT on transcript NM_000548.5 (MANE Select); bases 7 to 10 of the intron after coding-DNA position 2545, CCCC replaced by TCCT.
Molecular consequence: intron variant.
Genome position (GRCh38, 1-based): chr16:2,074,396-2,074,399, CCCC replaced by TCCT. VCF-style: chr16-2074396-CCCC-TCCT. GRCh37 (hg19) VCF-style: chr16-2124397-CCCC-TCCT.
Other names: c.1945+7_1945+10delinsTCCT (NM_001406683.1, NM_001406687.1, NM_001406682.1 and 6 more transcripts); c.1201+7_1201+10delinsTCCT (NM_001406689.1, NM_001406690.1, NM_001406692.1 and 6 more transcripts); c.943+7_943+10delinsTCCT (NM_001406698.1); c.2545+7_2545+10delinsTCCT (NM_001114382.3, NM_001406663.1, NM_001406664.1 and 6 more transcripts); c.2533+7_2533+10delinsTCCT (NM_001406671.1, NM_001406673.1); c.2083+7_2083+10delinsTCCT (NM_001406681.1); c.2434+7_2434+10delinsTCCT (NM_001406670.1, NM_001318827.2, NM_001406678.1); c.2488+7_2488+10delinsTCCT (NM_001406677.1); and 3 more.
Identifiers: ClinVar variation 4071069 (VCV004071069.1).

ClinVar aggregate classification (germline): Likely benign (1 of 4 stars; one submission).

Conditions:
Tuberous sclerosis 2 (TSC2). Identifiers: Orphanet 805, MedGen C1860707, MONDO:0013199, OMIM 613254.

Submission:

Myriad Genetics, Inc.
Classification: Likely benign for Tuberous sclerosis 2. Last evaluated: 2025-05-20. Review status: criteria provided, single submitter. Criteria: Myriad Autosomal Dominant, Autosomal Recessive and X-Linked Classification Criteria (2023). Collection method: clinical testing. Allele origin: unknown.
Comment: This variant is considered likely benign. This variant is intronic and is not expected to impact mRNA splicing.